The following is an entry in ClinVar:

NM_021615.5(CHST6):c.1055C>T (p.Ala352Val)

Gene: CHST6 (carbohydrate sulfotransferase 6; minus strand). Cytogenetic location: 16q23.1.
Variant type: single nucleotide variant.
Coding change: c.1055C>T on transcript NM_021615.5 (MANE Select); coding-DNA position 1055, C replaced by T.
Protein change: p.Ala352Val; replaces alanine 352 with valine.
Molecular consequence: missense variant.
Genome position (GRCh38, 1-based): chr16:75,478,774, G>A on the plus strand (C>T on the coding strand, the complement: CHST6 is on the minus strand). VCF-style: chr16-75478774-G-A. GRCh37 (hg19) VCF-style: chr16-75512672-G-A.
Other names: short protein forms A352V.
Identifiers: ClinVar variation 2550855 (VCV002550855.4), dbSNP rs761934435, ClinGen allele CA8175308.

ClinVar aggregate classification (germline): Uncertain significance. Review status: criteria provided, multiple submitters, no conflicts (2 of 4 stars). 2 submissions from 2 submitters: Uncertain significance (2). Last evaluated 2025-04-14.

Conditions:
Inborn genetic diseases. Identifiers: MedGen C0950123, MeSH D030342.
Macular corneal dystrophy (MCD). Also called: GROENOUW TYPE II CORNEAL DYSTROPHY; Macular corneal dystrophy Type I. Identifiers: Orphanet 98969, MedGen C1636149, MONDO:0009020, OMIM 217800.

Allele frequency attached by ClinVar (database versions not stated): ExAC 0.00003.
gnomAD v4.1: 26 of 1,613,344 alleles (0.0016%); highest among the groups gnomAD compares: East Asian, 0.049%; no homozygotes.

Submissions (2):

Labcorp Genetics (formerly Invitae), Labcorp
Classification: Uncertain significance for Macular corneal dystrophy. Last evaluated: 2025-04-14. Review status: criteria provided, single submitter. Criteria: Invitae Variant Classification Sherloc (09022015). Collection method: clinical testing. Allele origin: germline.
Comment: This sequence change replaces alanine, which is neutral and non-polar, with valine, which is neutral and non-polar, at codon 352 of the CHST6 protein (p.Ala352Val). This variant is present in population databases (rs761934435, gnomAD 0.1%). This variant has not been reported in the literature in individuals affected with CHST6-related conditions. ClinVar contains an entry for this variant (Variation ID: 2550855). Invitae Evidence Modeling of protein sequence and biophysical properties (such as structural, functional, and spatial information, amino acid conservation, physicochemical variation, residue mobility, and thermodynamic stability) indicates that this missense variant is not expected to disrupt CHST6 protein function with a negative predictive value of 80%. In summary, the available evidence is currently insufficient to determine the role of this variant in disease. Therefore, it has been classified as a Variant of Uncertain Significance.

Ambry Genetics
Classification: Uncertain significance for Inborn genetic diseases. Last evaluated: 2023-05-24. Review status: criteria provided, single submitter. Criteria: Ambry Variant Classification Scheme 2023. Collection method: clinical testing. Allele origin: germline.